The following is an entry in ClinVar:

ClinVar aggregate classification (germline): Likely pathogenic. Review status: reviewed by expert panel (3 of 4 stars). 2 submissions from 2 submitters: Likely pathogenic (1). 1 of the submissions does not count toward it. Last evaluated 2024-04-16.

Conditions:
Glanzmann thrombasthenia 1 (GT1). Also called: BLEEDING DISORDER, PLATELET-TYPE, 2; GP IIb-IIIa COMPLEX DEFICIENCY; GLYCOPROTEIN COMPLEX IIb-IIIa DEFICIENCY; PLATELET FIBRINOGEN RECEPTOR DEFICIENCY. Identifiers: MedGen CN300358, MONDO:0031332, OMIM 273800.
Glanzmann thrombasthenia. Also called: THROMBASTHENIA OF GLANZMANN AND NAEGELI; Glanzmann's thrombasthenia; PLATELET GLYCOPROTEIN IIb-IIIa DEFICIENCY; Thrombasthenia. Identifiers: Orphanet 849, MedGen C0040015, MONDO:0100326.

Submissions (2):

ClinGen Platelet Disorders Variant Curation Expert Panel, ClinGen
Classification: Likely pathogenic for Glanzmann thrombasthenia. Last evaluated: 2024-04-16. Review status: reviewed by expert panel. Criteria: ClinGen Platelet ACMG Specifications v2-1. Collection method: curation. Allele origin: germline. Inheritance: Autosomal recessive inheritance.
Comment: The NM_000419.5(ITGA2B):c.1366_1371del (p.Val456_Asp457del) variant causes an in-frame deletion of two amino acids (PM4). It has been reported, in at least one GT proband (PMID: 8704171). Patient LeM of PMID: 8704171 meets the criteria for PP4_moderate; including mucocutaneous bleeding and impaired aggregation with all agonists except ristocetin. Additionally, there was reduced surface expression of aIIbß3 measured by flow cytometry. This variant is absent from gnomAD v4.0.0 (PM2_Supporting). Heterologous expression followed by the preferred assays, of either Western blot or flow cytometry, has not been reported for this variant. However in PMID: 8282784, to test for mutant complexes on the cell surface, COS-1 cells were cotransfected with WT ITGB3 and Val456_Asp457del ITGA2B, cells were surface labeled with 125I and immunoprecipitated, then labeled heterodimers were detected on the surface of cotransfected cells containing wildtype ITGA2B but not on the surface of cells containing Val456_Asp457del ITGA2B. These results were considered sufficient evidence of impaired surface expression for application of the PS3_moderate criteria. In summary, this variant meets criteria to be classified as likely pathogenic for GT. GT-specific criteria applied: PS3_moderate,PP4_Moderate, PM4, and PM2_supporting.

OMIM
Classification: Pathogenic for GLANZMANN THROMBASTHENIA 1. Last evaluated: 1996-07-01. Review status: no assertion criteria provided. Collection method: literature only. Allele origin: germline. Not counted in ClinVar's aggregate classification.

Literature cited by the submitters: PubMed 8704171 (cited by ClinGen Platelet Disorders Variant Curation Expert Panel, ClinGen and OMIM).

NM_000419.5(ITGA2B):c.1366_1371del (p.Val456_Asp457del)

Gene: ITGA2B (integrin subunit alpha 2b; minus strand). Cytogenetic location: 17q21.31.
Variant type: Deletion.
Coding change: c.1366_1371del on transcript NM_000419.5 (MANE Select); coding-DNA positions 1366 to 1371, 6 bases deleted (GTAGAC; older notation c.1366_1371delGTAGAC).
Protein change: p.Val456_Asp457del.
Molecular consequence: inframe deletion.
Genome position (GRCh38, 1-based): chr17:44,380,901-44,380,906, GTCTAC deleted on the plus strand (GTAGAC on the coding strand, the reverse complement: ITGA2B is on the minus strand); deleting any 6 consecutive bases within chr17:44,380,901-44,380,907 gives the same sequence; the c. name uses the placement nearest the transcript's 3' end. VCF-style (leftmost placement, unchanged base first): chr17-44380900-TGTCTAC-T. GRCh37 (hg19) VCF-style: chr17-42458268-TGTCTAC-T.
Identifiers: ClinVar variation 2898 (VCV000002898.4), dbSNP rs780017389, ClinGen allele CA8603160.